The following is an entry in ClinVar:

NM_033343.4(LHX4):c.68C>A (p.Pro23Gln)

Gene: LHX4 (LIM homeobox 4; plus strand). Cytogenetic location: 1q25.2.
Variant type: single nucleotide variant.
Coding change: c.68C>A on transcript NM_033343.4 (MANE Select); coding-DNA position 68, C replaced by A.
Protein change: p.Pro23Gln; replaces proline 23 with glutamine.
Molecular consequence: missense variant.
Genome position (GRCh38, 1-based): chr1:180,230,597, C>A. VCF-style: chr1-180230597-C-A. GRCh37 (hg19) VCF-style: chr1-180199732-C-A.
Other names: short protein forms P23Q.
Identifiers: ClinVar variation 4770213 (VCV004770213.1).

ClinVar aggregate classification (germline): Uncertain significance (1 of 4 stars; one submission).

gnomAD v4.1: 3 of 1,613,314 alleles (0.00019%); highest among the groups gnomAD compares: Non-Finnish European, 0.00025%; no homozygotes.

Submission:

Labcorp Genetics (formerly Invitae), Labcorp
Classification: Uncertain significance. Last evaluated: 2025-02-26. Review status: criteria provided, single submitter. Criteria: Invitae Variant Classification Sherloc (09022015). Collection method: clinical testing. Allele origin: germline.
Comment: This sequence change replaces proline, which is neutral and non-polar, with glutamine, which is neutral and polar, at codon 23 of the LHX4 protein (p.Pro23Gln). This variant is present in population databases (rs759928429, gnomAD 0.0009%). This variant has not been reported in the literature in individuals affected with LHX4-related conditions. Invitae Evidence Modeling of protein sequence and biophysical properties (such as structural, functional, and spatial information, amino acid conservation, physicochemical variation, residue mobility, and thermodynamic stability) indicates that this missense variant is not expected to disrupt LHX4 protein function with a negative predictive value of 80%. In summary, the available evidence is currently insufficient to determine the role of this variant in disease. Therefore, it has been classified as a Variant of Uncertain Significance.